The following is an entry in ClinVar:

NM_001130823.3(DNMT1):c.3670G>A (p.Gly1224Ser)

Gene: DNMT1 (DNA methyltransferase 1; minus strand). Cytogenetic location: 19p13.2.
Variant type: single nucleotide variant.
Coding change: c.3670G>A on transcript NM_001130823.3 (MANE Select); coding-DNA position 3670, G replaced by A.
Protein change: p.Gly1224Ser; replaces glycine 1224 with serine.
Molecular consequence: missense variant.
Genome position (GRCh38, 1-based): chr19:10,140,182, C>T on the plus strand (G>A on the coding strand, the complement: DNMT1 is on the minus strand). VCF-style: chr19-10140182-C-T. GRCh37 (hg19) VCF-style: chr19-10250858-C-T.
Other names: c.3622G>A, p.Gly1208Ser (NM_001318730.2, NM_001379.4); c.3307G>A, p.Gly1103Ser (NM_001318731.2); short protein forms G1103S, G1208S, G1224S.
Identifiers: ClinVar variation 2446340 (VCV002446340.1), dbSNP rs764137405, ClinGen allele CA9187693.

ClinVar aggregate classification (germline): Uncertain significance (1 of 4 stars; one submission).

Allele frequency attached by ClinVar (database versions not stated): gnomAD exomes below 0.00001; ExAC 0.00001.
gnomAD v4.1: 6 of 1,613,946 alleles (0.00037%); highest among the groups gnomAD compares: South Asian, 0.0022%; no homozygotes.

Submission:

GeneDx
Classification: Uncertain significance. Last evaluated: 2022-09-27. Review status: criteria provided, single submitter. Criteria: GeneDx Variant Classification Process June 2021. Collection method: clinical testing. Allele origin: germline. Affected: yes.
Comment: In silico analysis supports that this missense variant has a deleterious effect on protein structure/function; Has not been previously published as pathogenic or benign to our knowledge